The following is an entry in ClinVar:

NM_000020.3(ACVRL1):c.*913C>T

Gene: ACVRL1 (activin A receptor like type 1; plus strand). Cytogenetic location: 12q13.13.
Variant type: single nucleotide variant.
Coding change: c.*913C>T on transcript NM_000020.3 (MANE Select); 913 bases downstream of the stop codon, C replaced by T.
Molecular consequence: 3 prime UTR variant.
Genome position (GRCh38, 1-based): chr12:51,921,806, C>T. VCF-style: chr12-51921806-C-T. GRCh37 (hg19) VCF-style: chr12-52315590-C-T.
Other names: c.*913C>T (NM_001077401.2).
Identifiers: ClinVar variation 309459 (VCV000309459.6), dbSNP rs75074181, ClinGen allele CA10642708.

ClinVar aggregate classification (germline): Benign. Review status: criteria provided, multiple submitters, no conflicts (2 of 4 stars). 2 submissions from 2 submitters: Benign (2). Last evaluated 2018-01-13.

Conditions:
Telangiectasia, hereditary hemorrhagic, type 2 (HHT2). Also called: ACVRL1-Related Hereditary Hemorrhagic Telangiectasia; Telangiectasia, hereditary hemorrhagic, type II. Identifiers: Orphanet 774, MedGen C1838163, MONDO:0010880, OMIM 600376. Disease mechanism: loss of function.

Allele frequency attached by ClinVar (database versions not stated): gnomAD exomes 0.11111; 1000 Genomes Project 30x 0.12149; 1000 Genomes Project 0.12200; gnomAD 0.12562 and 0.12876; TOPMed 0.13179.
gnomAD v4.1: 18,994 of 151,944 alleles (13%); highest among the groups gnomAD compares: African/African-American, 22%; 1,472 homozygotes.

Submissions (2):

Illumina Laboratory Services, Illumina
Classification: Benign for Telangiectasia, hereditary hemorrhagic, type 2. Last evaluated: 2018-01-13. Review status: criteria provided, single submitter. Criteria: ICSL Variant Classification Criteria 13 December 2019. Collection method: clinical testing. Allele origin: germline.
Comment: This variant was observed in the ICSL laboratory as part of a predisposition screen in an ostensibly healthy population. It had not been previously curated by ICSL or reported in the Human Gene Mutation Database (HGMD: prior to June 1st, 2018), and was therefore a candidate for classification through an automated scoring system. Utilizing variant allele frequency, disease prevalence and penetrance estimates, and inheritance mode, an automated score was calculated to assess if this variant is too frequent to cause the disease. Based on the score and internal cut-off values, a variant classified as benign is not then subjected to further curation. The score for this variant resulted in a classification of benign for this disease.

Breakthrough Genomics
Classification: Benign. Review status: criteria provided, single submitter. Criteria: ACMG Guidelines, 2015. Collection method: not provided. Allele origin: germline. Inheritance: Autosomal dominant inheritance. Affected: yes.